The following is an entry in ClinVar:

ClinVar aggregate classification (germline): Likely benign. Review status: criteria provided, multiple submitters, no conflicts (2 of 4 stars). 2 submissions from 2 submitters: Likely benign (2). Last evaluated 2026-02-16.

Conditions:
SETX-related disorder. Also called: SETX-related disorders; SETX-related condition. Identifiers: MedGen CN239403.
Spinocerebellar ataxia, autosomal recessive, with axonal neuropathy 2 (SCAN2). Also called: Ataxia with Oculomotor Apraxia; Ataxia with Oculomotor Apraxia Type 2; Ataxia-ocular apraxia-2; ATAXIA-OCULOMOTOR APRAXIA 2. Identifiers: Orphanet 64753, MedGen C1853761, MONDO:0018996, OMIM 606002.
Amyotrophic lateral sclerosis type 4 (ALS4). Also called: NEURONOPATHY, DISTAL HEREDITARY MOTOR, WITH PYRAMIDAL FEATURES; AMYOTROPHIC LATERAL SCLEROSIS 4, JUVENILE. Identifiers: Orphanet 357043, MedGen C1865409, MONDO:0011223, OMIM 602433.

Allele frequency attached by ClinVar (database versions not stated): ExAC 0.00004; gnomAD exomes 0.00004; gnomAD 0.00006 and 0.00009; TOPMed 0.00007; ESP Exome Variant Server 0.00015; 1000 Genomes Project 30x 0.00031; 1000 Genomes Project 0.00040.
gnomAD v4.1: 47 of 1,567,884 alleles (0.003%); highest among the groups gnomAD compares: Admixed American, 0.053%; no homozygotes.

Submissions (2):

PreventionGenetics, part of Exact Sciences
Classification: Likely benign for SETX-related condition. Last evaluated: 2026-02-16. Review status: criteria provided, single submitter. Criteria: ACMG Guidelines, 2015. Collection method: clinical testing. Allele origin: germline.
Comment: This variant is classified as likely benign based on ACMG/AMP sequence variant interpretation guidelines (Richards et al. 2015 PMID: 25741868, with internal and published modifications).

Labcorp Genetics (formerly Invitae), Labcorp
Classification: Likely benign for Amyotrophic lateral sclerosis type 4; Spinocerebellar ataxia, autosomal recessive, with axonal neuropathy 2. Last evaluated: 2025-09-20. Review status: criteria provided, single submitter. Criteria: Invitae Variant Classification Sherloc (09022015). Collection method: clinical testing. Allele origin: germline.

NM_015046.7(SETX):c.5274+8T>C

Gene: SETX (senataxin; minus strand). Cytogenetic location: 9q34.13.
Variant type: single nucleotide variant.
Coding change: c.5274+8T>C on transcript NM_015046.7 (MANE Select); 8 bases into the intron after coding-DNA position 5274, T replaced by C.
Molecular consequence: intron variant.
Genome position (GRCh38, 1-based): chr9:132,326,316, A>G on the plus strand (T>C on the coding strand, the complement: SETX is on the minus strand). VCF-style: chr9-132326316-A-G. GRCh37 (hg19) VCF-style: chr9-135201703-A-G.
Other names: c.5274+8T>C (NM_001351528.2, NM_001351527.2).
Identifiers: ClinVar variation 705057 (VCV000705057.10), dbSNP rs369501754, ClinGen allele CA5297046.